The following is an entry in ClinVar:

ClinVar aggregate classification (germline): Uncertain significance (1 of 4 stars; one submission).

Submission:

Labcorp Genetics (formerly Invitae), Labcorp
Classification: Uncertain significance. Last evaluated: 2025-12-30. Review status: criteria provided, single submitter. Criteria: Invitae Variant Classification Sherloc (09022015). Collection method: clinical testing. Allele origin: germline.
Comment: This sequence change replaces glutamic acid, which is acidic and polar, with aspartic acid, which is acidic and polar, at codon 15 of the ARHGEF1 protein (p.Glu15Asp). This variant is not present in population databases (gnomAD no frequency). This variant has not been reported in the literature in individuals affected with ARHGEF1-related conditions. ClinVar contains an entry for this variant (Variation ID: 2896933). An algorithm developed to predict the effect of missense changes on protein structure and function (PolyPhen-2) suggests that this variant is likely to be tolerated. In summary, the available evidence is currently insufficient to determine the role of this variant in disease. Therefore, it has been classified as a Variant of Uncertain Significance.

NM_004706.4(ARHGEF1):c.-1G>C

Gene: ARHGEF1 (Rho guanine nucleotide exchange factor 1; plus strand). Cytogenetic location: 19q13.2.
Variant type: single nucleotide variant.
Coding change: c.-1G>C on transcript NM_004706.4 (MANE Select); 1 bases upstream of the start codon, G replaced by C.
Molecular consequence: 5 prime UTR variant. On other transcripts: missense variant (1), non-coding transcript variant (2).
Genome position (GRCh38, 1-based): chr19:41,888,082, G>C. VCF-style: chr19-41888082-G-C. GRCh37 (hg19) VCF-style: chr19-42392153-G-C.
Other names: c.-1G>C (NM_001396000.1, NM_001396002.1, NM_001396003.1 and 3 more transcripts); c.45G>C, p.Glu15Asp (NM_199002.2); short protein forms E15D.
Identifiers: ClinVar variation 2896933 (VCV002896933.3), dbSNP rs1555845520, ClinGen allele CA406042236.
Genomic context (GRCh38, chr19:41,888,082, plus strand): 5'-CTCCTCCCACCCTCCTAACCACAGCCCCTCCTCTTCCTCCAGCCCTGCAGAGCCCAGGGA[G>C]ATGGAAGACTTCGCCCGAGGGGCGGTGAGTGGACAGAGCAAGGGGTGAGGCGACTCTGGG-3'